The following is an entry in ClinVar:

ClinVar aggregate classification (germline): Uncertain significance (1 of 4 stars; one submission).

Conditions:
Hereditary spastic paraplegia 72 (SPG72A). Also called: Spastic paraplegia 72, autosomal recessive. Identifiers: Orphanet 401849, MedGen C5882669, MONDO:0014282, OMIM 615625.

Allele frequency attached by ClinVar (database versions not stated): gnomAD exomes below 0.00001.

Submission:

Labcorp Genetics (formerly Invitae), Labcorp
Classification: Uncertain significance for Hereditary spastic paraplegia 72. Last evaluated: 2022-09-01. Review status: criteria provided, single submitter. Criteria: Invitae Variant Classification Sherloc (09022015). Collection method: clinical testing. Allele origin: germline.
Comment: This sequence change replaces alanine, which is neutral and non-polar, with threonine, which is neutral and polar, at codon 231 of the REEP2 protein (p.Ala231Thr). In summary, the available evidence is currently insufficient to determine the role of this variant in disease. Therefore, it has been classified as a Variant of Uncertain Significance. Algorithms developed to predict the effect of missense changes on protein structure and function output the following: SIFT: "Deleterious"; PolyPhen-2: "Benign"; Align-GVGD: "Class C0". The threonine amino acid residue is found in multiple mammalian species, which suggests that this missense change does not adversely affect protein function. This variant has not been reported in the literature in individuals affected with REEP2-related conditions. This variant is present in population databases (no rsID available, gnomAD 0.003%).

NM_001271803.2(REEP2):c.691G>A (p.Ala231Thr)

Gene: REEP2 (receptor accessory protein 2; plus strand). Cytogenetic location: 5q31.2.
Variant type: single nucleotide variant.
Coding change: c.691G>A on transcript NM_001271803.2 (MANE Select); coding-DNA position 691, G replaced by A.
Protein change: p.Ala231Thr; replaces alanine 231 with threonine.
Molecular consequence: missense variant. On other transcripts: non-coding transcript variant (2).
Genome position (GRCh38, 1-based): chr5:138,445,593, G>A. VCF-style: chr5-138445593-G-A. GRCh37 (hg19) VCF-style: chr5-137781282-G-A.
Other names: c.685G>A, p.Ala229Thr (NM_016606.4); short protein forms A229T, A231T.
Identifiers: ClinVar variation 2130714 (VCV002130714.4), dbSNP rs1342630915, ClinGen allele CA361105364.
Genomic context (GRCh38, chr5:138,445,593, plus strand): 5'-GAGGATGACATGGGAGACAAAGCTCCCAAGAGGGCCAAACCCATCAAAAAAGCGCCCAAA[G>A]CTGAGGTGAGGGCACTGGCCAGAGCTTGGGGAAACAGGCAGGGGGTGGCGGCTCCAGGCT-3'
Protein context (NP_001258732.1, residues 221-241): RAKPIKKAPK[Ala231Thr]EPLASKTLKT